The following is an entry in ClinVar:

NM_173628.4(DNAH17):c.5486G>A (p.Cys1829Tyr)

Genes: DNAH17 (dynein axonemal heavy chain 17; minus strand), DNAH17-AS1 (DNAH17 antisense RNA 1; plus strand). Cytogenetic location: 17q25.3.
Variant type: single nucleotide variant.
Coding change: c.5486G>A on transcript NM_173628.4 (MANE Select); coding-DNA position 5486, G replaced by A.
Protein change: p.Cys1829Tyr; replaces cysteine 1829 with tyrosine.
Molecular consequence: missense variant. On other transcripts: non-coding transcript variant (1).
Genome position (GRCh38, 1-based): chr17:78,500,459, C>T on the plus strand (G>A on the coding strand, the complement: DNAH17 is on the minus strand). VCF-style: chr17-78500459-C-T. GRCh37 (hg19) VCF-style: chr17-76496541-C-T.
Other names: short protein forms C1829Y.
Identifiers: ClinVar variation 692266 (VCV000692266.3), dbSNP rs1598595659, ClinGen allele CA401262585.

ClinVar aggregate classification (germline): Pathogenic. Review status: criteria provided, single submitter (1 of 4 stars). 2 submissions from 2 submitters: Pathogenic (1). 1 of the submissions does not count toward it. Last evaluated 2020-02-14.

Conditions:
Spermatogenic failure 39. Identifiers: MedGen C5231438, MONDO:0032845, OMIM 618643.

Submissions (2):

SIB Swiss Institute of Bioinformatics
Classification: Pathogenic for Spermatogenic failure 39. Last evaluated: 2020-02-14. Review status: criteria provided, single submitter. Criteria: ACMG Guidelines, 2015. Collection method: curation. Allele origin: unknown.
Comment: This variant is interpreted as pathogenic for spermatogenic failure 39, autosomal recessive. The following ACMG Tag(s) were applied: PM2, PP3, PP1, PP2, PS3, PM1-Supporting.

OMIM
Classification: Pathogenic for SPERMATOGENIC FAILURE 39. Last evaluated: 2022-07-27. Review status: no assertion criteria provided. Collection method: literature only. Allele origin: germline. Not counted in ClinVar's aggregate classification.

Literature cited by the submitters: PubMed 31178125 (cited by SIB Swiss Institute of Bioinformatics and OMIM).